The following is an entry in ClinVar:

ClinVar aggregate classification (germline): Uncertain significance (1 of 4 stars; one submission).

Submission:

Labcorp Genetics (formerly Invitae), Labcorp
Classification: Uncertain significance. Last evaluated: 2025-08-05. Review status: criteria provided, single submitter. Criteria: Invitae Variant Classification Sherloc (09022015). Collection method: clinical testing. Allele origin: germline.
Comment: This sequence change replaces asparagine, which is neutral and polar, with serine, which is neutral and polar, at codon 325 of the NTRK2 protein (p.Asn325Ser). This variant is not present in population databases (gnomAD no frequency). This variant has not been reported in the literature in individuals affected with NTRK2-related conditions. Invitae Evidence Modeling of protein sequence and biophysical properties (such as structural, functional, and spatial information, amino acid conservation, physicochemical variation, residue mobility, and thermodynamic stability) indicates that this missense variant is not expected to disrupt NTRK2 protein function with a negative predictive value of 80%. In summary, the available evidence is currently insufficient to determine the role of this variant in disease. Therefore, it has been classified as a Variant of Uncertain Significance.

NM_006180.6(NTRK2):c.974A>G (p.Asn325Ser)

Gene: NTRK2 (neurotrophic receptor tyrosine kinase 2; plus strand). Cytogenetic location: 9q21.33.
Variant type: single nucleotide variant.
Coding change: c.974A>G on transcript NM_006180.6 (MANE Select); coding-DNA position 974, A replaced by G.
Protein change: p.Asn325Ser; replaces asparagine 325 with serine.
Molecular consequence: missense variant.
Genome position (GRCh38, 1-based): chr9:84,727,774, A>G. VCF-style: chr9-84727774-A-G. GRCh37 (hg19) VCF-style: chr9-87342689-A-G.
Other names: c.974A>G, p.Asn325Ser (NM_001007097.3, NM_001018064.3, NM_001018065.2 and 16 more transcripts); c.935A>G, p.Asn312Ser (NM_001291937.2, NM_001369546.1); c.506A>G, p.Asn169Ser (NM_001369535.1, NM_001369536.1, NM_001369550.1 and 2 more transcripts); short protein forms N312S, N169S, N325S.
Identifiers: ClinVar variation 4743860 (VCV004743860.1).
Genomic context (GRCh38, chr9:84,727,774, plus strand): 5'-TCACTGTGAAAGGCAACCCCAAACCAGCGCTTCAGTGGTTCTATAACGGGGCAATATTGA[A>G]TGAGTCCAAATACATCTGTACTAAAATACATGTTACCAATCACACGGAGTACCACGGCTG-3'
Protein context (NP_006171.2, residues 315-335): LQWFYNGAIL[Asn325Ser]ESKYICTKIH